The following is an entry in ClinVar:

ClinVar aggregate classification (germline): Uncertain significance (1 of 4 stars; one submission).

Submission:

CeGaT Center for Human Genetics Tuebingen
Classification: Uncertain significance. Last evaluated: 2025-07-01. Review status: criteria provided, single submitter. Criteria: CeGaT Center For Human Genetics Tuebingen Variant Classification Criteria Version 2. Collection method: clinical testing. Allele origin: germline. Affected: yes. Observed: 1 variant allele.
Comment: LAMA2: PM2, BP4

NM_000426.4(LAMA2):c.5396A>C (p.Glu1799Ala)

Gene: LAMA2 (laminin subunit alpha 2; plus strand). Cytogenetic location: 6q22.33.
Variant type: single nucleotide variant.
Coding change: c.5396A>C on transcript NM_000426.4 (MANE Select); coding-DNA position 5396, A replaced by C.
Protein change: p.Glu1799Ala; replaces glutamic acid 1799 with alanine.
Molecular consequence: missense variant.
Genome position (GRCh38, 1-based): chr6:129,393,206, A>C. VCF-style: chr6-129393206-A-C. GRCh37 (hg19) VCF-style: chr6-129714351-A-C.
Other names: c.5396A>C, p.Glu1799Ala (NM_001079823.2); short protein forms E1799A.
Identifiers: ClinVar variation 4085587 (VCV004085587.8).